The following is an entry in ClinVar:

NM_003072.5(SMARCA4):c.4585G>C (p.Val1529Leu)

Gene: SMARCA4 (SWI/SNF related BAF chromatin remodeling complex subunit ATPase 4; plus strand). Cytogenetic location: 19p13.2.
Variant type: single nucleotide variant.
Coding change: c.4585G>C on transcript NM_003072.5 (MANE Select); coding-DNA position 4585, G replaced by C.
Protein change: p.Val1529Leu; replaces valine 1529 with leucine.
Molecular consequence: missense variant. On other transcripts: non-coding transcript variant (1).
Genome position (GRCh38, 1-based): chr19:11,058,839, G>C. VCF-style: chr19-11058839-G-C. GRCh37 (hg19) VCF-style: chr19-11169515-G-C.
Other names: c.4585G>C, p.Val1529Leu (NM_001128844.3); c.4495G>C, p.Val1499Leu (NM_001128845.2); c.4492G>C, p.Val1498Leu (NM_001128846.2); c.4486G>C, p.Val1496Leu (NM_001128847.4, NM_001374457.1); c.4483G>C, p.Val1495Leu (NM_001128848.2); c.4681G>C, p.Val1561Leu (NM_001128849.3, NM_001387283.1); c.4582G>C, p.Val1528Leu (NM_001411150.1); short protein forms V1495L, V1496L, V1498L, V1499L, V1528L, V1529L, V1561L.
Identifiers: ClinVar variation 4802589 (VCV004802589.1).

ClinVar aggregate classification (germline): Uncertain significance (1 of 4 stars; one submission).

Conditions:
Rhabdoid tumor predisposition syndrome 2 (RTPS2). Identifiers: Orphanet 231108, Orphanet 69077, MedGen C2750074, MONDO:0013224, OMIM 613325.

Submission:

Labcorp Genetics (formerly Invitae), Labcorp
Classification: Uncertain significance for Rhabdoid tumor predisposition syndrome 2. Last evaluated: 2025-12-14. Review status: criteria provided, single submitter. Criteria: Invitae Variant Classification Sherloc (09022015). Collection method: clinical testing. Allele origin: germline.
Comment: This sequence change replaces valine, which is neutral and non-polar, with leucine, which is neutral and non-polar, at codon 1561 of the SMARCA4 protein (p.Val1561Leu). This variant is not present in population databases (gnomAD no frequency). This variant has not been reported in the literature in individuals affected with SMARCA4-related conditions. Invitae Evidence Modeling of protein sequence and biophysical properties (such as structural, functional, and spatial information, amino acid conservation, physicochemical variation, residue mobility, and thermodynamic stability) has been performed for this missense variant. However, the output from this modeling did not meet the statistical confidence thresholds required to predict the impact of this variant on SMARCA4 protein function. In summary, the available evidence is currently insufficient to determine the role of this variant in disease. Therefore, it has been classified as a Variant of Uncertain Significance.